The following is an entry in ClinVar:

NM_020738.4(KIDINS220):c.3920G>T (p.Arg1307Leu)

Gene: KIDINS220 (kinase D interacting substrate 220; minus strand). Cytogenetic location: 2p25.1.
Variant type: single nucleotide variant.
Coding change: c.3920G>T on transcript NM_020738.4 (MANE Select); coding-DNA position 3920, G replaced by T.
Protein change: p.Arg1307Leu; replaces arginine 1307 with leucine.
Molecular consequence: missense variant. On other transcripts: non-coding transcript variant (2).
Genome position (GRCh38, 1-based): chr2:8,733,577, C>A on the plus strand (G>T on the coding strand, the complement: KIDINS220 is on the minus strand). VCF-style: chr2-8733577-C-A. GRCh37 (hg19) VCF-style: chr2-8873707-C-A.
Other names: c.3923G>T, p.Arg1308Leu (NM_001348729.2); c.3866G>T, p.Arg1289Leu (NM_001348731.2); c.3863G>T, p.Arg1288Leu (NM_001348732.2, NM_001348738.2); c.3752G>T, p.Arg1251Leu (NM_001348734.2, NM_001348739.2, NM_001348740.2); c.3749G>T, p.Arg1250Leu (NM_001348735.2, NM_001348741.2, NM_001348742.2 and 1 more transcripts); c.3623G>T, p.Arg1208Leu (NM_001348736.2); short protein forms R1307L, R1308L, R1251L, R1288L, R1289L, R1208L, R1250L.
Identifiers: ClinVar variation 1434915 (VCV001434915.8), dbSNP rs2304591, ClinGen allele CA345767242.

ClinVar aggregate classification (germline): Uncertain significance (1 of 4 stars; one submission).

Submission:

Labcorp Genetics (formerly Invitae), Labcorp
Classification: Uncertain significance. Last evaluated: 2022-06-28. Review status: criteria provided, single submitter. Criteria: Invitae Variant Classification Sherloc (09022015). Collection method: clinical testing. Allele origin: germline.
Comment: In summary, the available evidence is currently insufficient to determine the role of this variant in disease. Therefore, it has been classified as a Variant of Uncertain Significance. Algorithms developed to predict the effect of missense changes on protein structure and function are either unavailable or do not agree on the potential impact of this missense change (SIFT: "Deleterious"; PolyPhen-2: "Benign"; Align-GVGD: "Class C25"). This variant has not been reported in the literature in individuals affected with KIDINS220-related conditions. This variant is not present in population databases (gnomAD no frequency). This sequence change replaces arginine, which is basic and polar, with leucine, which is neutral and non-polar, at codon 1307 of the KIDINS220 protein (p.Arg1307Leu).